The following is an entry in ClinVar:

NM_001190274.2(FBXO11):c.174GCC[5] (p.Pro65_Pro66dup)

Gene: FBXO11 (F-box protein 11; minus strand). Cytogenetic location: 2p16.3.
Variant type: Microsatellite.
Coding change: c.174GCC[5] on transcript NM_001190274.2 (MANE Select); five copies in a row of the 3-base unit GCC starting at c.174; the reference has three copies in a row; two copies, 6 bases duplicated.
Protein change: p.Pro65_Pro66dup.
Molecular consequence: inframe insertion.
Genome position (GRCh38, 1-based): chr2:47,905,539-47,905,544, GGCGGC duplicated on the plus strand (GCCGCC on the coding strand, the reverse complement: FBXO11 is on the minus strand); duplicating any 6 consecutive bases within chr2:47,905,539-47,905,549 gives the same sequence; the position shown is the placement nearest the transcript's 3' end. VCF-style (leftmost placement, unchanged base first): chr2-47905538-T-TGGCGGC. GRCh37 (hg19) VCF-style: chr2-48132677-T-TGGCGGC.
Identifiers: ClinVar variation 1352723 (VCV001352723.6), dbSNP rs923188952, ClinGen allele CA769465886.

ClinVar aggregate classification (germline): Uncertain significance (1 of 4 stars; one submission).

Submission:

Labcorp Genetics (formerly Invitae), Labcorp
Classification: Uncertain significance. Last evaluated: 2024-12-29. Review status: criteria provided, single submitter. Criteria: Invitae Variant Classification Sherloc (09022015). Collection method: clinical testing. Allele origin: germline.
Comment: This variant, c.177_182dup, results in the insertion of 2 amino acid(s) of the FBXO11 protein (p.Pro65_Pro66dup), but otherwise preserves the integrity of the reading frame. This variant is not present in population databases (gnomAD no frequency). This variant has not been reported in the literature in individuals affected with FBXO11-related conditions. Experimental studies and prediction algorithms are not available or were not evaluated, and the functional significance of this variant is currently unknown. In summary, the available evidence is currently insufficient to determine the role of this variant in disease. Therefore, it has been classified as a Variant of Uncertain Significance.